The following is an entry in ClinVar:

NM_000238.4(KCNH2):c.2599A>G (p.Met867Val)

Gene: KCNH2 (potassium voltage-gated channel subfamily H member 2; minus strand). Cytogenetic location: 7q36.1.
Variant type: single nucleotide variant.
Coding change: c.2599A>G on transcript NM_000238.4 (MANE Select); coding-DNA position 2599, A replaced by G.
Protein change: p.Met867Val; replaces methionine 867 with valine.
Molecular consequence: missense variant. On other transcripts: non-coding transcript variant (2).
Genome position (GRCh38, 1-based): chr7:150,948,537, T>C on the plus strand (A>G on the coding strand, the complement: KCNH2 is on the minus strand). VCF-style: chr7-150948537-T-C. GRCh37 (hg19) VCF-style: chr7-150645625-T-C.
Other names: c.2311A>G, p.Met771Val (NM_001406753.1); c.1579A>G, p.Met527Val (NM_172057.3); short protein forms M527V, M867V, M771V.
Identifiers: ClinVar variation 3715272 (VCV003715272.2).

ClinVar aggregate classification (germline): Uncertain significance (1 of 4 stars; one submission).

Conditions:
Long QT syndrome (LQTS). Identifiers: MedGen C0023976, MeSH D008133, MONDO:0002442. Disease mechanism: loss of function. Inheritance: Various modes of inheritance.

Submission:

Labcorp Genetics (formerly Invitae), Labcorp
Classification: Uncertain significance for Long QT syndrome. Last evaluated: 2024-03-22. Review status: criteria provided, single submitter. Criteria: Invitae Variant Classification Sherloc (09022015). Collection method: clinical testing. Allele origin: germline.
Comment: This sequence change replaces methionine, which is neutral and non-polar, with valine, which is neutral and non-polar, at codon 867 of the KCNH2 protein (p.Met867Val). This variant is not present in population databases (gnomAD no frequency). This variant has not been reported in the literature in individuals affected with KCNH2-related conditions. An algorithm developed to predict the effect of missense changes on protein structure and function (PolyPhen-2) suggests that this variant is likely to be tolerated. In summary, the available evidence is currently insufficient to determine the role of this variant in disease. Therefore, it has been classified as a Variant of Uncertain Significance.